The following is an entry in ClinVar:

ClinVar aggregate classification (germline): Uncertain significance (1 of 4 stars; one submission).

Submission:

Labcorp Genetics (formerly Invitae), Labcorp
Classification: Uncertain significance. Last evaluated: 2023-12-07. Review status: criteria provided, single submitter. Criteria: Invitae Variant Classification Sherloc (09022015). Collection method: clinical testing. Allele origin: germline.
Comment: This sequence change replaces lysine, which is basic and polar, with arginine, which is basic and polar, at codon 665 of the SLC9A3 protein (p.Lys665Arg). This variant is not present in population databases (gnomAD no frequency). This variant has not been reported in the literature in individuals affected with SLC9A3-related conditions. ClinVar contains an entry for this variant (Variation ID: 1970144). Advanced modeling of protein sequence and biophysical properties (such as structural, functional, and spatial information, amino acid conservation, physicochemical variation, residue mobility, and thermodynamic stability) performed at Invitae indicates that this missense variant is not expected to disrupt SLC9A3 protein function with a negative predictive value of 80%. In summary, the available evidence is currently insufficient to determine the role of this variant in disease. Therefore, it has been classified as a Variant of Uncertain Significance.

NM_004174.4(SLC9A3):c.1994A>G (p.Lys665Arg)

Genes: SLC9A3 (solute carrier family 9 member A3), SLC9A3-AS1 (SLC9A3 antisense RNA 1; plus strand). Cytogenetic location: 5p15.33.
Variant type: single nucleotide variant.
Coding change: c.1994A>G on transcript NM_004174.4 (MANE Select); coding-DNA position 1994, A replaced by G.
Protein change: p.Lys665Arg; replaces lysine 665 with arginine.
Molecular consequence: missense variant. On other transcripts: non-coding transcript variant (1).
Genome position (GRCh38, 1-based): chr5:476,275, T>C on the plus strand (A>G on the coding strand, the complement: SLC9A3 is on the minus strand). VCF-style: chr5-476275-T-C. GRCh37 (hg19) VCF-style: chr5-476390-T-C.
Other names: c.1967A>G, p.Lys656Arg (NM_001284351.3); short protein forms K656R, K665R.
Identifiers: ClinVar variation 1970144 (VCV001970144.5), dbSNP rs2477540304, ClinGen allele CA359025056.